The following is an entry in ClinVar:

ClinVar aggregate classification (germline): Uncertain significance. Review status: criteria provided, multiple submitters, no conflicts (2 of 4 stars). 3 submissions from 3 submitters: Uncertain significance (3). Last evaluated 2025-08-20.

Conditions:
Hereditary cancer-predisposing syndrome. Also called: Neoplastic Syndromes, Hereditary; Tumor predisposition; Hereditary Cancer Syndrome; Hereditary neoplastic syndrome. Identifiers: Orphanet 140162, MedGen C0027672, MeSH D009386, MONDO:0015356.
Oligodontia-cancer predisposition syndrome. Also called: TOOTH AGENESIS-COLORECTAL CANCER SYNDROME. Identifiers: Orphanet 300576, MedGen C1837750, MONDO:0012075, OMIM 608615. Disease mechanism: loss of function.

Allele frequency attached by ClinVar (database versions not stated): TOPMed below 0.00001; gnomAD 0.00001; gnomAD exomes 0.00001.

Submissions (3):

Ambry Genetics
Classification: Uncertain significance for Hereditary cancer-predisposing syndrome. Last evaluated: 2025-08-20. Review status: criteria provided, single submitter. Criteria: Ambry Variant Classification Scheme 2023. Collection method: clinical testing. Allele origin: germline.
Comment: The p.H83Y variant (also known as c.247C>T), located in coding exon 1 of the AXIN2 gene, results from a C to T substitution at nucleotide position 247. The histidine at codon 83 is replaced by tyrosine, an amino acid with similar properties. This amino acid position is well conserved in available vertebrate species. In addition, this alteration is predicted to be tolerated by in silico analysis. Since supporting evidence is limited at this time, the clinical significance of this alteration remains unclear.

Labcorp Genetics (formerly Invitae), Labcorp
Classification: Uncertain significance for Oligodontia-cancer predisposition syndrome. Last evaluated: 2025-07-22. Review status: criteria provided, single submitter. Criteria: Invitae Variant Classification Sherloc (09022015). Collection method: clinical testing. Allele origin: germline.
Comment: This sequence change replaces histidine, which is basic and polar, with tyrosine, which is neutral and polar, at codon 83 of the AXIN2 protein (p.His83Tyr). This variant is not present in population databases (gnomAD no frequency). This variant has not been reported in the literature in individuals affected with AXIN2-related conditions. ClinVar contains an entry for this variant (Variation ID: 821331). Invitae Evidence Modeling of protein sequence and biophysical properties (such as structural, functional, and spatial information, amino acid conservation, physicochemical variation, residue mobility, and thermodynamic stability) indicates that this missense variant is expected to disrupt AXIN2 protein function with a positive predictive value of 80%. In summary, the available evidence is currently insufficient to determine the role of this variant in disease. Therefore, it has been classified as a Variant of Uncertain Significance.

Blueprint Genetics
Classification: Uncertain significance. Last evaluated: 2023-05-23. Review status: criteria provided, single submitter. Criteria: ACMG Guidelines, 2015. Collection method: clinical testing. Allele origin: germline.

NM_004655.4(AXIN2):c.247C>T (p.His83Tyr)

Gene: AXIN2 (axin 2; minus strand). Cytogenetic location: 17q24.1.
Variant type: single nucleotide variant.
Coding change: c.247C>T on transcript NM_004655.4 (MANE Select); coding-DNA position 247, C replaced by T.
Protein change: p.His83Tyr; replaces histidine 83 with tyrosine.
Molecular consequence: missense variant.
Genome position (GRCh38, 1-based): chr17:65,558,374, G>A on the plus strand (C>T on the coding strand, the complement: AXIN2 is on the minus strand). VCF-style: chr17-65558374-G-A. GRCh37 (hg19) VCF-style: chr17-63554492-G-A.
Other names: c.247C>T, p.His83Tyr (NM_001363813.1); short protein forms H83Y.
Identifiers: ClinVar variation 821331 (VCV000821331.13), dbSNP rs1488655314, ClinGen allele CA400681821.